The following is an entry in ClinVar:

NM_000046.5(ARSB):c.543del (p.Arg180_Cys181insTer)

Gene: ARSB (arylsulfatase B; minus strand). Cytogenetic location: 5q14.1.
Variant type: Deletion.
Coding change: c.543del on transcript NM_000046.5 (MANE Select); coding-DNA position 543, one base deleted (T; older notation c.543delT).
Protein change: p.Arg180_Cys181insTer.
Molecular consequence: nonsense.
Genome position (GRCh38, 1-based): chr5:78,964,563, A deleted on the plus strand (T on the coding strand, the reverse complement: ARSB is on the minus strand). VCF-style (leftmost placement, unchanged base first): chr5-78964562-TA-T. GRCh37 (hg19) VCF-style: chr5-78260385-TA-T.
Other names: c.543del, p.Arg180_Cys181insTer (NM_198709.3).
Identifiers: ClinVar variation 3643242 (VCV003643242.2).

ClinVar aggregate classification (germline): Pathogenic (1 of 4 stars; one submission).

Conditions:
Mucopolysaccharidosis type 6 (MPS6). Also called: MPS VI; N-ACETYLGALACTOSAMINE-4-SULFATASE DEFICIENCY; ARSB DEFICIENCY; ARYLSULFATASE B DEFICIENCY; MPS 6; Maroteaux Lamy syndrome. Identifiers: Orphanet 583, MedGen C0026709, MONDO:0009661, OMIM 253200.

Submission:

Labcorp Genetics (formerly Invitae), Labcorp
Classification: Pathogenic for Mucopolysaccharidosis type 6. Last evaluated: 2024-02-25. Review status: criteria provided, single submitter. Criteria: Invitae Variant Classification Sherloc (09022015). Collection method: clinical testing. Allele origin: germline.
Comment: This sequence change creates a premature translational stop signal (p.Cys181*) in the ARSB gene. It is expected to result in an absent or disrupted protein product. Loss-of-function variants in ARSB are known to be pathogenic (PMID: 17458871, 22133300). This variant is not present in population databases (gnomAD no frequency). This variant has not been reported in the literature in individuals affected with ARSB-related conditions. For these reasons, this variant has been classified as Pathogenic.

Literature cited by the submitters: PubMed 17458871; PubMed 22133300.